The following is an entry in ClinVar:

ClinVar aggregate classification (germline): Uncertain significance. Review status: criteria provided, multiple submitters, no conflicts (2 of 4 stars). 2 submissions from 2 submitters: Uncertain significance (2). Last evaluated 2024-10-28.

Conditions:
Stüve-Wiedemann syndrome 1. Also called: STUVE-WIEDEMANN/SCHWARTZ-JAMPEL TYPE 2 SYNDROME. Identifiers: Orphanet 3206, MedGen C5676888, MONDO:0800043, OMIM 601559.

gnomAD v4.1: 4 of 1,612,110 alleles (0.00025%); highest among the groups gnomAD compares: African/African-American, 0.0053%; no homozygotes.

Submissions (2):

ARUP Laboratories, Molecular Genetics and Genomics, ARUP Laboratories
Classification: Uncertain significance for Stüve-Wiedemann syndrome 1. Last evaluated: 2024-10-28. Review status: criteria provided, single submitter. Criteria: ARUP Molecular Germline Variant Investigation Process 2024. Collection method: clinical testing. Allele origin: germline.
Comment: The LIFR c.2173A>G; p.Ile725Val variant (rs375346911), to our knowledge, is not reported in the medical literature or gene specific databases. This variant is absent from the Genome Aggregation Database (v2.1.1), indicating it is not a common polymorphism. Computational analyses predict that this variant is neutral (REVEL: 0.034). However, given the lack of clinical and functional data, the significance of this variant is uncertain at this time.

Fulgent Genetics
Classification: Uncertain significance for Stüve-Wiedemann syndrome 1. Last evaluated: 2024-05-13. Review status: criteria provided, single submitter. Criteria: ACMG Guidelines, 2015. Collection method: clinical testing. Allele origin: germline.

NM_001127671.2(LIFR):c.2173A>G (p.Ile725Val)

Gene: LIFR (LIF receptor subunit alpha; minus strand). Cytogenetic location: 5p13.1.
Variant type: single nucleotide variant.
Coding change: c.2173A>G on transcript NM_001127671.2 (MANE Select); coding-DNA position 2173, A replaced by G.
Protein change: p.Ile725Val; replaces isoleucine 725 with valine.
Molecular consequence: missense variant.
Genome position (GRCh38, 1-based): chr5:38,489,240, T>C on the plus strand (A>G on the coding strand, the complement: LIFR is on the minus strand). VCF-style: chr5-38489240-T-C. GRCh37 (hg19) VCF-style: chr5-38489342-T-C.
Other names: c.2173A>G, p.Ile725Val (NM_001364297.2, NM_001364298.2, NM_002310.6); short protein forms I725V.
Identifiers: ClinVar variation 3592620 (VCV003592620.2).